The following is an entry in ClinVar:

NM_020461.4(TUBGCP6):c.4374del (p.Val1459fs)

Gene: TUBGCP6 (tubulin gamma complex component 6; minus strand). Cytogenetic location: 22q13.33.
Variant type: Deletion.
Coding change: c.4374del on transcript NM_020461.4 (MANE Select); coding-DNA position 4374, one base deleted (C; older notation c.4374delC).
Protein change: p.Val1459fs; shifts the reading frame from valine 1459.
Molecular consequence: frameshift variant.
Genome position (GRCh38, 1-based): chr22:50,219,398, G deleted on the plus strand (C on the coding strand, the reverse complement: TUBGCP6 is on the minus strand); the first of 4 consecutive G bases (chr22:50,219,398-50,219,401); deleting any one gives the same sequence. VCF-style (leftmost placement, unchanged base first): chr22-50219397-CG-C. GRCh37 (hg19) VCF-style: chr22-50657826-CG-C.
Other names: short protein forms V1459fs.
Identifiers: ClinVar variation 2797724 (VCV002797724.3), dbSNP rs1569109423, ClinGen allele CA640353652.
Genomic context (GRCh38, chr22:50,219,397, plus strand): 5'-TCAGCAACTCGCTCAGCTGCACAGCAGTCTCATCAGCGGCAGACTGGACCTGGGGGTCCA[CG>C]GGGAAGGCGAAGGCCCGGGGAAGCACGGGGCGCAAAAGATGAGCAATGGGCGGCTCGGCT-3'

ClinVar aggregate classification (germline): Pathogenic (1 of 4 stars; one submission).

Submission:

Labcorp Genetics (formerly Invitae), Labcorp
Classification: Pathogenic. Last evaluated: 2025-11-10. Review status: criteria provided, single submitter. Criteria: Invitae Variant Classification Sherloc (09022015). Collection method: clinical testing. Allele origin: germline.
Comment: This sequence change creates a premature translational stop signal (p.Val1459Trpfs*16) in the TUBGCP6 gene. It is expected to result in an absent or disrupted protein product. Loss-of-function variants in TUBGCP6 are known to be pathogenic (PMID: 25344692). This variant is not present in population databases (gnomAD no frequency). This variant has not been reported in the literature in individuals affected with TUBGCP6-related conditions. ClinVar contains an entry for this variant (Variation ID: 2797724). Algorithms developed to predict the effect of sequence changes on RNA splicing suggest that this variant may disrupt the consensus splice site. For these reasons, this variant has been classified as Pathogenic.

Literature cited by the submitters: PubMed 25344692.